The following is an entry in ClinVar:

ClinVar aggregate classification (germline): Likely benign (1 of 4 stars; one submission).

Conditions:
Catecholaminergic polymorphic ventricular tachycardia (CVPT). Also called: Catecholamine-induced polymorphic ventricular tachycardia. Identifiers: Orphanet 3286, MedGen C5574922, MONDO:0017990.

Allele frequency attached by ClinVar (database versions not stated): gnomAD exomes below 0.00001.
gnomAD v4.1: 1 of 1,601,038 alleles (0.000062%); highest among the groups gnomAD compares: East Asian, 0.0022%; no homozygotes.

Submission:

All of Us Research Program, National Institutes of Health
Classification: Likely benign for Catecholaminergic polymorphic ventricular tachycardia. Last evaluated: 2023-07-10. Review status: criteria provided, single submitter. Criteria: ACMG Guidelines, 2015. Collection method: clinical testing. Allele origin: germline. Inheritance: Autosomal dominant inheritance. Observed: 1 variant allele, 1 heterozygote.
Comment: This study involves interpretation of variants in research participants for the purpose of population health screening. Participant phenotype was not available at the time of variant classification. Additional details can be found in publication PMID: 35346344, PMCID: PMC8962531

NM_001035.3(RYR2):c.11040-13T>C

Gene: RYR2 (ryanodine receptor 2; plus strand). Cytogenetic location: 1q43.
Variant type: single nucleotide variant.
Coding change: c.11040-13T>C on transcript NM_001035.3 (MANE Select); 13 bases into the intron before coding-DNA position 11040, T replaced by C.
Molecular consequence: intron variant.
Genome position (GRCh38, 1-based): chr1:237,733,692, T>C. VCF-style: chr1-237733692-T-C. GRCh37 (hg19) VCF-style: chr1-237896992-T-C.
Identifiers: ClinVar variation 3072420 (VCV003072420.1), dbSNP rs2527092018, ClinGen allele CA2651212550.
Genomic context (GRCh38, chr1:237,733,692, plus strand): 5'-AAGCAGCGATGATACGTGTGCATGTGCCTAGCCTTCTGCTTAAACACTGATGTTTTCTTC[T>C]TGCTTTCCCCAGCAAACTGGAGGAAGATTTTTTATATATGGCCTATGCAGATATTATGGC-3'